The following is an entry in ClinVar:

NM_000307.5(POU3F4):c.853_854del (p.Ile285fs)

Gene: POU3F4 (POU class 3 homeobox 4; plus strand). Cytogenetic location: Xq21.1.
Variant type: Deletion.
Coding change: c.853_854del on transcript NM_000307.5 (MANE Select); coding-DNA positions 853 to 854, 2 bases deleted (AT; older notation c.853_854delAT).
Protein change: p.Ile285fs; shifts the reading frame from isoleucine 285.
Molecular consequence: frameshift variant.
Genome position (GRCh38, 1-based): chrX:83,509,177-83,509,178, AT deleted. VCF-style (leftmost placement, unchanged base first): chrX-83509176-CAT-C. GRCh37 (hg19) VCF-style: chrX-82764184-CAT-C.
Other names: short protein forms I285fs.
Identifiers: ClinVar variation 43352 (VCV000043352.6), dbSNP rs397516336, ClinGen allele CA261368.

ClinVar aggregate classification (germline): Pathogenic. Review status: criteria provided, single submitter (1 of 4 stars). 2 submissions from 2 submitters: Pathogenic (1). 1 of the submissions does not count toward it. Last evaluated 2012-07-18.

Conditions:
Rare genetic deafness. Identifiers: Orphanet 96210, MedGen C5680250.
X-linked mixed hearing loss with perilymphatic gusher. Also called: Gusher syndrome; Deafness, X-linked 2; NANCE DEAFNESS; PERILYMPHATIC GUSHER-DEAFNESS SYNDROME; SENSORINEURAL DEAFNESS, PROFOUND, WITH OR WITHOUT A CONDUCTIVE COMPONENT, ASSOCIATED WITH A UNIQUE DEVELOPMENTAL ABNORMALITY OF THE EAR. Identifiers: Orphanet 383, MedGen C1844678, MONDO:0010576, OMIM 304400.

Submissions (2):

Laboratory for Molecular Medicine, Mass General Brigham Personalized Medicine
Classification: Pathogenic for Rare genetic deafness. Last evaluated: 2012-07-18. Review status: criteria provided, single submitter. Criteria: LMM Criteria. Collection method: clinical testing. Allele origin: germline. Inheritance: X-linked inheritance. Observed: 1 variant allele.
Comment: The Ile285fs variant in POU3F4 has not been reported in the literature nor previ ously identified by our laboratory. However, this frameshift variant is predicte d to alter the protein?s amino acid sequence beginning at position 285 and lead to a premature termination codon 43 amino acids downstream. This alteration is t hen predicted to lead to a truncated or absent protein. In summary, this variant meets our criteria to be classified as pathogenic (M).

Laboratory of Prof. Karen Avraham, Tel Aviv University
Classification: Pathogenic for X-linked mixed hearing loss with perilymphatic gusher. Last evaluated: 2018-05-07. Review status: no assertion criteria provided. Collection method: research. Allele origin: germline. Affected: yes. Not counted in ClinVar's aggregate classification.
Comment: X-linked, congenital, profound NSHL; Mondini

Literature cited by the submitters: PubMed 23606368 (cited by Laboratory of Prof. Karen Avraham, Tel Aviv University).